The following is an entry in ClinVar:

ClinVar aggregate classification (germline): Pathogenic. Review status: criteria provided, multiple submitters, no conflicts (2 of 4 stars). 2 submissions from 2 submitters: Pathogenic (2). Last evaluated 2022-12-01.

Conditions:
Congenital glucose-galactose malabsorption (GGM). Also called: DIARRHEA 16; MONOSACCHARIDE MALABSORPTION. Identifiers: Orphanet 35710, MedGen C0268186, MONDO:0011731, OMIM 606824.
SLC5A1-related disorder. Also called: SLC5A1-related condition.

Allele frequency attached by ClinVar (database versions not stated): gnomAD exomes 0.00001; ExAC 0.00002; TOPMed 0.00002; gnomAD 0.00003.

Submissions (2):

Laboratorio de Genetica e Diagnostico Molecular, Hospital Israelita Albert Einstein
Classification: Pathogenic for Congenital glucose-galactose malabsorption. Last evaluated: 2022-12-01. Review status: criteria provided, single submitter. Criteria: ACMG Guidelines, 2015. Collection method: clinical testing. Allele origin: germline. Affected: yes. Observed: 1 variant allele.
Comment: ACMG classification criteria: PVS1 very strong, PM2 moderated, PM3 moderated

Blueprint Genetics
Classification: Pathogenic for SLC5A1-related disorders. Last evaluated: 2020-10-11. Review status: criteria provided, single submitter. Criteria: ACMG Guidelines, 2015. Collection method: clinical testing. Allele origin: germline. Affected: yes. Observed: 3 variant alleles.

NM_000343.4(SLC5A1):c.1666-2del

Gene: SLC5A1 (solute carrier family 5 member 1; plus strand). Cytogenetic location: 22q12.3.
Variant type: Deletion.
Coding change: c.1666-2del on transcript NM_000343.4 (MANE Select); the canonical splice acceptor site of the intron before coding-DNA position 1666, one base deleted (A; older notation c.1666-2delA).
Molecular consequence: splice acceptor variant.
Genome position (GRCh38, 1-based): chr22:32,104,784, A deleted. VCF-style (leftmost placement, unchanged base first): chr22-32104783-CA-C. GRCh37 (hg19) VCF-style: chr22-32500770-CA-C.
Other names: c.1285-2del (NM_001256314.2).
Identifiers: ClinVar variation 2431781 (VCV002431781.2), dbSNP rs764819816, ClinGen allele CA10198293.
Genomic context (GRCh38, chr22:32,104,783, plus strand): 5'-CCAACTTCTTGTCCCAAGATGCTATTTGGATCTTTCTGTTGACCTGTTCTGCCTTCTCTG[CA>C]GCTCTACCGTCTGTGTTGGAGCCTGCGCAACAGCAAAGAGGAGCGTATTGACCTGGATGC-3'